The following is an entry in ClinVar:

ClinVar aggregate classification (germline): Uncertain significance (1 of 4 stars; one submission).

Allele frequency attached by ClinVar (database versions not stated): TOPMed 0.00005; gnomAD 0.00006; ExAC 0.00003.
gnomAD v4.1: 23 of 1,613,530 alleles (0.0014%); highest among the groups gnomAD compares: African/African-American, 0.0094%; no homozygotes.

Submission:

Labcorp Genetics (formerly Invitae), Labcorp
Classification: Uncertain significance. Last evaluated: 2022-04-01. Review status: criteria provided, single submitter. Criteria: Invitae Variant Classification Sherloc (09022015). Collection method: clinical testing. Allele origin: germline.
Comment: In summary, the available evidence is currently insufficient to determine the role of this variant in disease. Therefore, it has been classified as a Variant of Uncertain Significance. Algorithms developed to predict the effect of missense changes on protein structure and function are either unavailable or do not agree on the potential impact of this missense change (SIFT: "Deleterious"; PolyPhen-2: "Possibly Damaging"; Align-GVGD: "Class C0"). This variant has not been reported in the literature in individuals affected with TENM3-related conditions. This variant is present in population databases (rs778320384, gnomAD 0.01%). This sequence change replaces arginine, which is basic and polar, with cysteine, which is neutral and slightly polar, at codon 2086 of the TENM3 protein (p.Arg2086Cys).

NM_001080477.4(TENM3):c.6256C>T (p.Arg2086Cys)

Gene: TENM3 (teneurin transmembrane protein 3; plus strand). Cytogenetic location: 4q35.1.
Variant type: single nucleotide variant.
Coding change: c.6256C>T on transcript NM_001080477.4 (MANE Select); coding-DNA position 6256, C replaced by T.
Protein change: p.Arg2086Cys; replaces arginine 2086 with cysteine.
Molecular consequence: missense variant.
Genome position (GRCh38, 1-based): chr4:182,792,928, C>T. VCF-style: chr4-182792928-C-T. GRCh37 (hg19) VCF-style: chr4-183714081-C-T.
Other names: c.5488C>T, p.Arg1830Cys (NM_001415960.1); c.5461C>T, p.Arg1821Cys (NM_001415961.1); c.5458C>T, p.Arg1820Cys (NM_001415962.1); c.5440C>T, p.Arg1814Cys (NM_001415963.1); c.5437C>T, p.Arg1813Cys (NM_001415964.1); c.5974C>T, p.Arg1992Cys (NM_001415966.1); c.5998C>T, p.Arg2000Cys (NM_001415967.1); c.6274C>T, p.Arg2092Cys (NM_001415968.1); and 4 more; short protein forms R1813C, R1821C, R2085C, R2093C, R1814C, R1820C, R1993C, R1830C.
Identifiers: ClinVar variation 2055166 (VCV002055166.4), dbSNP rs778320384, ClinGen allele CA3148774.